The following is an entry in ClinVar:

ClinVar aggregate classification (germline): Uncertain significance (1 of 4 stars; one submission).

Conditions:
Dilated cardiomyopathy 1JJ (CMD1JJ). Identifiers: Orphanet 154, MedGen C3808935, MONDO:0014095, OMIM 615235.

gnomAD v4.1: 5 of 1,609,386 alleles (0.00031%); highest among the groups gnomAD compares: African/African-American, 0.0053%; no homozygotes.

Submission:

Labcorp Genetics (formerly Invitae), Labcorp
Classification: Uncertain significance for Dilated cardiomyopathy 1JJ. Last evaluated: 2022-05-18. Review status: criteria provided, single submitter. Criteria: Invitae Variant Classification Sherloc (09022015). Collection method: clinical testing. Allele origin: germline.
Comment: This sequence change replaces glutamic acid, which is acidic and polar, with lysine, which is basic and polar, at codon 514 of the LAMA4 protein (p.Glu514Lys). This variant is present in population databases (no rsID available, gnomAD 0.01%). This variant has not been reported in the literature in individuals affected with LAMA4-related conditions. Algorithms developed to predict the effect of missense changes on protein structure and function are either unavailable or do not agree on the potential impact of this missense change (SIFT: "Deleterious"; PolyPhen-2: "Benign"; Align-GVGD: "Class C0"). In summary, the available evidence is currently insufficient to determine the role of this variant in disease. Therefore, it has been classified as a Variant of Uncertain Significance.

NM_001105206.3(LAMA4):c.1561G>A (p.Glu521Lys)

Gene: LAMA4 (laminin subunit alpha 4; minus strand). Cytogenetic location: 6q21.
Variant type: single nucleotide variant.
Coding change: c.1561G>A on transcript NM_001105206.3 (MANE Select); coding-DNA position 1561, G replaced by A.
Protein change: p.Glu521Lys; replaces glutamic acid 521 with lysine.
Molecular consequence: missense variant.
Genome position (GRCh38, 1-based): chr6:112,165,267, C>T on the plus strand (G>A on the coding strand, the complement: LAMA4 is on the minus strand). VCF-style: chr6-112165267-C-T. GRCh37 (hg19) VCF-style: chr6-112486469-C-T.
Other names: c.1540G>A, p.Glu514Lys (NM_001105207.3, NM_002290.5); short protein forms E514K, E521K.
Identifiers: ClinVar variation 1938032 (VCV001938032.5), dbSNP rs781950243, ClinGen allele CA365368358.
Genomic context (GRCh38, chr6:112,165,267, plus strand): 5'-GAGAGTCCGCAGATGTGCTCAGAGACATGTTCACCACTTCCATTTGTTCCCTCACTCTTT[C>T]CTGTTGTTTCTGCGGGAAGGAAGAGTAAGGGAGAGTGAAGTGAATATGTCTTTAGGGAAA-3'
Protein context (NP_001098676.2, residues 511-531): ARQRDHEKQQ[Glu521Lys]RVREQMEVVN